The following is an entry in ClinVar:

ClinVar aggregate classification (germline): Conflicting classifications of pathogenicity. Review status: criteria provided, conflicting classifications (1 of 4 stars). 7 submissions from 6 submitters: Uncertain significance (3); Likely benign (3). 1 of the submissions does not count toward it. Last evaluated 2025-12-10.

Conditions:
Cardiovascular phenotype. Identifiers: MedGen CN230736.
RASopathy. Also called: rasopathies; Noonan spectrum disorder. Identifiers: Orphanet 536391, MedGen C5555857, MONDO:0021060.
Noonan syndrome 7 (NS7). Also called: BRAF-Related Noonan Syndrome. Identifiers: Orphanet 648, MedGen C3150970, MONDO:0013379, OMIM 613706.
LEOPARD syndrome 3 (LPRD3). Identifiers: Orphanet 500, MedGen C3150971, MONDO:0013380, OMIM 613707.

Allele frequency attached by ClinVar (database versions not stated): gnomAD 0.00005 and 0.00007; gnomAD exomes 0.00006; TOPMed 0.00006.
gnomAD v4.1: 90 of 1,509,726 alleles (0.006%); highest among the groups gnomAD compares: Non-Finnish European, 0.007%; no homozygotes.

Submissions (7):

Labcorp Genetics (formerly Invitae), Labcorp
Classification: Uncertain significance for RASopathy. Last evaluated: 2025-12-10. Review status: criteria provided, single submitter. Criteria: Invitae Variant Classification Sherloc (09022015). Collection method: clinical testing. Allele origin: germline.
Comment: This sequence change replaces glutamic acid, which is acidic and polar, with aspartic acid, which is acidic and polar, at codon 24 of the BRAF protein (p.Glu24Asp). This variant is present in population databases (rs587778114, gnomAD 0.01%). This variant has not been reported in the literature in individuals affected with BRAF-related conditions. ClinVar contains an entry for this variant (Variation ID: 133720). Invitae Evidence Modeling of protein sequence and biophysical properties (such as structural, functional, and spatial information, amino acid conservation, physicochemical variation, residue mobility, and thermodynamic stability) indicates that this missense variant is not expected to disrupt BRAF protein function with a negative predictive value of 95%. In summary, the available evidence is currently insufficient to determine the role of this variant in disease. Therefore, it has been classified as a Variant of Uncertain Significance.

Ambry Genetics
Classification: Likely benign for Cardiovascular phenotype. Last evaluated: 2025-09-24. Review status: criteria provided, single submitter. Criteria: Ambry Variant Classification Scheme 2023. Collection method: clinical testing. Allele origin: germline.

CeGaT Center for Human Genetics Tuebingen
Classification: Likely benign. Last evaluated: 2024-11-01. Review status: criteria provided, single submitter. Criteria: CeGaT Center For Human Genetics Tuebingen Variant Classification Criteria Version 2. Collection method: clinical testing. Allele origin: germline. Affected: yes. Observed: 2 variant alleles.
Comment: BRAF: BP5

GeneDx
Classification: Likely benign. Last evaluated: 2018-05-03. Review status: criteria provided, single submitter. Criteria: GeneDx Variant Classification (06012015). Collection method: clinical testing. Allele origin: germline. Affected: yes.
Comment: This variant is considered likely benign or benign based on one or more of the following criteria: it is a conservative change, it occurs at a poorly conserved position in the protein, it is predicted to be benign by multiple in silico algorithms, and/or has population frequency not consistent with disease.

Illumina Laboratory Services, Illumina
Classification: Uncertain significance for LEOPARD syndrome 3. Last evaluated: 2018-01-13. Review status: criteria provided, single submitter. Criteria: ICSL Variant Classification Criteria 13 December 2019. Collection method: clinical testing. Allele origin: germline.

Illumina Laboratory Services, Illumina
Classification: Uncertain significance for Noonan syndrome 7. Last evaluated: 2018-01-13. Review status: criteria provided, single submitter. Criteria: ICSL Variant Classification Criteria 13 December 2019. Collection method: clinical testing. Allele origin: germline.

ITMI
No classification provided. Condition: AllHighlyPenetrant. Last evaluated: 2013-09-19. Review status: no classification provided. Collection method: reference population. Allele origin: germline. Not counted in ClinVar's aggregate classification.
Comment: Please see associated publication for description of ethnicities

Literature cited by the submitters: PubMed 24728327 (cited by ITMI).

NM_004333.6(BRAF):c.72G>C (p.Glu24Asp)

Gene: BRAF (B-Raf proto-oncogene, serine/threonine kinase; minus strand). Cytogenetic location: 7q34.
Variant type: single nucleotide variant.
Coding change: c.72G>C on transcript NM_004333.6 (MANE Select); coding-DNA position 72, G replaced by C.
Protein change: p.Glu24Asp; replaces glutamic acid 24 with aspartic acid.
Molecular consequence: missense variant.
Genome position (GRCh38, 1-based): chr7:140,924,632, C>G on the plus strand (G>C on the coding strand, the complement: BRAF is on the minus strand). VCF-style: chr7-140924632-C-G. GRCh37 (hg19) VCF-style: chr7-140624432-C-G.
Other names: p.E24D:GAG>GAC; c.72G>C, p.Glu24Asp (NM_001354609.2, NM_001374244.1, NM_001374258.1 and 7 more transcripts); short protein forms E24D.
Identifiers: ClinVar variation 133720 (VCV000133720.33), dbSNP rs587778114, ClinGen allele CA157471.
Genomic context (GRCh38, chr7:140,924,632, plus strand): 5'-CGGAATGGCAGGGTCCGCAGCCGAAGAGGCCGCGGCGCCGGCGCCGGCGCCGGCCTCGGG[C>G]TCCATGTCCCCGTTGAACAGAGCCTGGCCCGGCTCCGCGCCGCCACCACCGCCACCGCTC-3'
Protein context (NP_004324.2, residues 14-34): PGQALFNGDM[Glu24Asp]PEAGAGAGAA